The following is an entry in ClinVar:

ClinVar aggregate classification (germline): Uncertain significance. Review status: criteria provided, multiple submitters, no conflicts (2 of 4 stars). 4 submissions from 4 submitters: Uncertain significance (4). Last evaluated 2026-07-08.

Conditions:
TTN-related disorder. Also called: TTN-related condition; TTN-related disease; TTN-related disorders.
Autosomal recessive limb-girdle muscular dystrophy type 2J (LGMDR10). Also called: Limb-girdle muscular dystrophy, type 2J; MUSCULAR DYSTROPHY, LIMB-GIRDLE, AUTOSOMAL RECESSIVE 10. Identifiers: Orphanet 140922, MedGen C1837342, MONDO:0012127, OMIM 608807.
Dilated cardiomyopathy 1G (CMD1G). Identifiers: Orphanet 154, MedGen C1858763, MONDO:0011400, OMIM 604145.
Cardiovascular phenotype. Identifiers: MedGen CN230736.
Hypertrophic cardiomyopathy 9. Also called: Familial hypertrophic cardiomyopathy 9. Identifiers: MedGen C1861065, MONDO:0013412, OMIM 613765.
Myopathy, myofibrillar, 9, with early respiratory failure (MFM9). Also called: Hereditary myopathy with early respiratory failure; MYOPATHY, PROXIMAL, WITH EARLY RESPIRATORY MUSCLE INVOLVEMENT; EDSTROM MYOPATHY; Myopathy, distal, with early respiratory failure, autosomal dominant. Identifiers: Orphanet 178464, Orphanet 34521, MedGen C1863599, MONDO:0011362, OMIM 603689.
Tibial muscular dystrophy (TMD). Also called: Udd Distal Myopathy – Tibial Muscular Dystrophy; UDD MYOPATHY; Tibial muscular dystrophy, tardive. Identifiers: Orphanet 609, MedGen C1838244, MONDO:0010870, OMIM 600334.
Early-onset myopathy with fatal cardiomyopathy (CMYO5). Also called: Salih Myopathy; CONGENITAL MYOPATHY 5 WITH CARDIOMYOPATHY. Identifiers: Orphanet 289377, MedGen C2673677, MONDO:0012714, OMIM 611705. Disease mechanism: loss of function.

Allele frequency attached by ClinVar (database versions not stated): gnomAD 0.00001; TOPMed 0.00002.
gnomAD v4.1: 10 of 1,546,820 alleles (0.00065%); highest among the groups gnomAD compares: Non-Finnish European, 0.00069%; no homozygotes.

Submissions (4):

PreventionGenetics, part of Exact Sciences
Classification: Uncertain significance for TTN-related condition. Last evaluated: 2026-07-08. Review status: criteria provided, single submitter. Criteria: ACMG Guidelines, 2015. Collection method: clinical testing. Allele origin: germline.
Comment: The TTN c.44425G>A variant is predicted to result in the amino acid substitution p.Val14809Met. To our knowledge, this variant has not been reported in the literature or in a large population database (gnomAD), indicating this variant is rare. At this time, the clinical significance of this variant is uncertain due to the absence of conclusive functional and genetic evidence.

Fulgent Genetics
Classification: Uncertain significance for Tibial muscular dystrophy; Myopathy, myofibrillar, 9, with early respiratory failure; Dilated cardiomyopathy 1G; Autosomal recessive limb-girdle muscular dystrophy type 2J; Early-onset myopathy with fatal cardiomyopathy; Hypertrophic cardiomyopathy 9. Last evaluated: 2021-07-17. Review status: criteria provided, single submitter. Criteria: ACMG Guidelines, 2015. Collection method: clinical testing. Allele origin: unknown.

Labcorp Genetics (formerly Invitae), Labcorp
Classification: Uncertain significance for Dilated cardiomyopathy 1G; Autosomal recessive limb-girdle muscular dystrophy type 2J. Last evaluated: 2020-02-03. Review status: criteria provided, single submitter. Criteria: Invitae Variant Classification Sherloc (09022015). Collection method: clinical testing. Allele origin: germline.
Comment: This sequence change replaces valine with methionine at codon 14809 of the TTN protein (p.Val14809Met). Conservation data is not available for this valine residue. There is a small physicochemical difference between valine and methionine. This variant also falls at the first nucleotide of exon 241 of the TTN coding sequence, which is part of the consensus splice site for this exon. This variant is not present in population databases (ExAC no frequency) and has not been reported in the literature in individuals with a TTN-related disease. Experimental studies and protein prediction algorithms are not available for this variant, and the functional significance of this missense variant is currently unknown. Algorithms developed to predict the effect of sequence changes on RNA splicing suggest that this variant may alter RNA splicing, but this prediction has not been confirmed by published transcriptional studies. In summary, this is a novel missense change with uncertain impact on splicing and protein function. It has been classified as a Variant of Uncertain Significance.

Ambry Genetics
Classification: Uncertain significance for Cardiovascular phenotype. Last evaluated: 2019-07-17. Review status: criteria provided, single submitter. Criteria: Ambry Variant Classification Scheme 2023. Collection method: clinical testing. Allele origin: germline.
Comment: The p.V5744M variant (also known as c.17230G>A), located in coding exon 68 of the TTN gene, results from a G>A substitution at nucleotide position 17230. The valine at codon 5744 is replaced by methionine, an amino acid with highly similar properties. This change occurs in the first base pair of coding exon 68. The splice prediction software does not produce a reliable prediction for the nearby native splice acceptor site. This amino acid position is well conserved in available vertebrate species. In addition, the amino acid change is predicted to be tolerated by in silico analysis. Since supporting evidence is limited at this time, the clinical significance of this alteration remains unclear.

NM_001267550.2(TTN):c.44425G>A (p.Val14809Met)

Gene: TTN (titin; minus strand). Cytogenetic location: 2q31.2.
Variant type: single nucleotide variant.
Coding change: c.44425G>A on transcript NM_001267550.2 (MANE Select); coding-DNA position 44425, G replaced by A.
Protein change: p.Val14809Met; replaces valine 14809 with methionine.
Molecular consequence: missense variant.
Genome position (GRCh38, 1-based): chr2:178,625,396, C>T on the plus strand (G>A on the coding strand, the complement: TTN is on the minus strand). VCF-style: chr2-178625396-C-T. GRCh37 (hg19) VCF-style: chr2-179490123-C-T.
Other names: c.39502G>A, p.Val13168Met (NM_001256850.1); c.17230G>A, p.Val5744Met (NM_003319.4); c.36721G>A, p.Val12241Met (NM_133378.4); c.17605G>A, p.Val5869Met (NM_133432.3); c.17806G>A, p.Val5936Met (NM_133437.4); short protein forms V14809M, V13168M, V5869M, V12241M, V5744M, V5936M.
Identifiers: ClinVar variation 467161 (VCV000467161.9), dbSNP rs775225695, ClinGen allele CA60997407.